The following is an entry in ClinVar:

ClinVar aggregate classification (germline): Likely benign (0 of 4 stars; one submission).

Conditions:
EPPK1-related disorder. Also called: EPPK1-related condition.

Allele frequency attached by ClinVar (database versions not stated): ExAC 0.00007; gnomAD exomes 0.00007; 1000 Genomes Project 30x 0.00031; 1000 Genomes Project 0.00040; gnomAD 0.00052; TOPMed 0.00059; ESP Exome Variant Server 0.00063.
gnomAD v4.1: 177 of 1,609,138 alleles (0.011%); highest among the groups gnomAD compares: African/African-American, 0.15%; 1 homozygote.

Submission:

PreventionGenetics, part of Exact Sciences
Classification: Likely benign for EPPK1-related condition. Last evaluated: 2022-01-06. Review status: no assertion criteria provided. Collection method: clinical testing. Allele origin: germline.
Comment: This variant is classified as likely benign based on ACMG/AMP sequence variant interpretation guidelines (Richards et al. 2015 PMID: 25741868, with internal and published modifications).

NM_031308.4(EPPK1):c.2571C>T (p.Arg857=)

Gene: EPPK1 (epiplakin 1; minus strand). Cytogenetic location: 8q24.3.
Variant type: single nucleotide variant.
Coding change: c.2571C>T on transcript NM_031308.4 (MANE Select); coding-DNA position 2571, C replaced by T.
Protein change: p.Arg857=; no amino-acid change (arginine 857 retained).
Molecular consequence: synonymous variant.
Genome position (GRCh38, 1-based): chr8:143,870,683, G>A on the plus strand (C>T on the coding strand, the complement: EPPK1 is on the minus strand). VCF-style: chr8-143870683-G-A. GRCh37 (hg19) VCF-style: chr8-144944851-G-A.
Identifiers: ClinVar variation 3054228 (VCV003054228.2), dbSNP rs113555848, ClinGen allele CA4923019.